The following is an entry in ClinVar:

ClinVar aggregate classification (germline): Benign/Likely benign. Review status: criteria provided, multiple submitters, no conflicts (2 of 4 stars). 2 submissions from 2 submitters: Benign (1); Likely benign (1). Last evaluated 2026-01-19.

Allele frequency attached by ClinVar (database versions not stated): 1000 Genomes Project 0.00399; 1000 Genomes Project 30x 0.00375.
gnomAD v4.1: 5,224 of 584,306 alleles (0.89%); highest among the groups gnomAD compares: Non-Finnish European, 0.97%; 38 homozygotes.

Submissions (2):

Dasa
Classification: Benign. Last evaluated: 2026-01-19. Review status: criteria provided, single submitter. Criteria: DASA Assertion Criteria. Collection method: clinical testing. Allele origin: germline.
Comment: NM_005732.4(RAD50):c.1969+232G>A is an intronic variant. Population frequency is inconsistent with a disease-causing role for this variant, and observations in unaffected individuals support a benign interpretation. Therefore, based on the currently available evidence, this variant is classified as benign.

GeneDx
Classification: Likely benign. Last evaluated: 2019-02-28. Review status: criteria provided, single submitter. Criteria: GeneDx Variant Classification Process June 2021. Collection method: clinical testing. Allele origin: germline. Affected: yes.

NM_005732.4(RAD50):c.1969+232G>A

Gene: RAD50 (RAD50 double strand break repair protein; plus strand). Cytogenetic location: 5q31.1.
Variant type: single nucleotide variant.
Coding change: c.1969+232G>A on transcript NM_005732.4 (MANE Select); 232 bases into the intron after coding-DNA position 1969, G replaced by A.
Molecular consequence: intron variant.
Genome position (GRCh38, 1-based): chr5:132,595,276, G>A. VCF-style: chr5-132595276-G-A. GRCh37 (hg19) VCF-style: chr5-131930968-G-A.
Identifiers: ClinVar variation 1317713 (VCV001317713.4), dbSNP rs143331722, ClinGen allele CA127252619.